The following is an entry in ClinVar:

ClinVar aggregate classification (germline): Uncertain significance (1 of 4 stars; one submission).

Allele frequency attached by ClinVar (database versions not stated): gnomAD 0.00007; gnomAD exomes 0.00007; ESP Exome Variant Server 0.00008; TOPMed 0.00009; ExAC 0.00021.
gnomAD v4.1: 111 of 1,613,978 alleles (0.0069%); highest among the groups gnomAD compares: Non-Finnish European, 0.0088%; no homozygotes.

Submission:

Labcorp Genetics (formerly Invitae), Labcorp
Classification: Uncertain significance. Last evaluated: 2022-09-07. Review status: criteria provided, single submitter. Criteria: Invitae Variant Classification Sherloc (09022015). Collection method: clinical testing. Allele origin: germline.
Comment: This sequence change replaces isoleucine, which is neutral and non-polar, with threonine, which is neutral and polar, at codon 585 of the DENND5A protein (p.Ile585Thr). This variant is present in population databases (rs199552458, gnomAD 0.02%). This variant has not been reported in the literature in individuals affected with DENND5A-related conditions. Algorithms developed to predict the effect of missense changes on protein structure and function are either unavailable or do not agree on the potential impact of this missense change (SIFT: "Deleterious"; PolyPhen-2: "Possibly Damaging"; Align-GVGD: "Class C0"). In summary, the available evidence is currently insufficient to determine the role of this variant in disease. Therefore, it has been classified as a Variant of Uncertain Significance.

NM_015213.4(DENND5A):c.1754T>C (p.Ile585Thr)

Gene: DENND5A (DENN domain containing 5A; minus strand). Cytogenetic location: 11p15.4.
Variant type: single nucleotide variant.
Coding change: c.1754T>C on transcript NM_015213.4 (MANE Select); coding-DNA position 1754, T replaced by C.
Protein change: p.Ile585Thr; replaces isoleucine 585 with threonine.
Molecular consequence: missense variant. On other transcripts: non-coding transcript variant (1).
Genome position (GRCh38, 1-based): chr11:9,178,284, A>G on the plus strand (T>C on the coding strand, the complement: DENND5A is on the minus strand). VCF-style: chr11-9178284-A-G. GRCh37 (hg19) VCF-style: chr11-9199831-A-G.
Other names: c.1754T>C, p.Ile585Thr (NM_001243254.2, NM_001348748.1); c.1682T>C, p.Ile561Thr (NM_001348749.2); c.1466T>C, p.Ile489Thr (NM_001348750.2); short protein forms I489T, I585T, I561T.
Identifiers: ClinVar variation 2046110 (VCV002046110.1), dbSNP rs199552458, ClinGen allele CA5877527.
Genomic context (GRCh38, chr11:9,178,284, plus strand): 5'-TCAAATACCCGGAGTACAGGGTCTTTATCATCATCATCATGACACATTATTTTGTTGTCA[A>G]TGAAAGATGCAAACATCTGGGTCTCCAGGAATCTTGAGAGGAAGGGCAGGTAGGGCTCAG-3'
Protein context (NP_056028.2, residues 575-595): FLETQMFASF[Ile585Thr]DNKIMCHDDD